The following is an entry in ClinVar:

ClinVar aggregate classification (germline): Uncertain significance. Review status: criteria provided, multiple submitters, no conflicts (2 of 4 stars). 6 submissions from 5 submitters: Uncertain significance (6). Last evaluated 2026-10-13.

Conditions:
Short-rib thoracic dysplasia 7 with or without polydactyly (SRTD7). Also called: Short rib polydactyly syndrome 5; SHORT-RIB THORACIC DYSPLASIA 7 WITH POLYDACTYLY. Identifiers: Orphanet 498497, Orphanet 93271, MedGen C3279792, MONDO:0013569, OMIM 614091.
Cranioectodermal dysplasia 2 (CED2). Identifiers: Orphanet 1515, MedGen C3150874, MONDO:0013323, OMIM 613610.

Allele frequency attached by ClinVar (database versions not stated): gnomAD exomes 0.00010; ESP Exome Variant Server 0.00015; TOPMed 0.00006; gnomAD 0.00006; ExAC 0.00016.
gnomAD v4.1: 175 of 1,613,868 alleles (0.011%); highest among the groups gnomAD compares: Non-Finnish European, 0.014%; no homozygotes.

Submissions (6):

GeneDx
Classification: Uncertain significance. Last evaluated: 2026-10-13. Review status: criteria provided, single submitter. Criteria: GeneDx Variant Classification Process June 2021. Collection method: clinical testing. Allele origin: germline.
Comment: In silico analysis suggests that this missense variant does not alter protein structure/function; Has not been previously published as pathogenic or benign to our knowledge

Fulgent Genetics
Classification: Uncertain significance for Cranioectodermal dysplasia 2; Short-rib thoracic dysplasia 7 with or without polydactyly. Last evaluated: 2024-02-06. Review status: criteria provided, single submitter. Criteria: ACMG Guidelines, 2015. Collection method: clinical testing. Allele origin: germline.

Labcorp Genetics (formerly Invitae), Labcorp
Classification: Uncertain significance for Cranioectodermal dysplasia 2; Short-rib thoracic dysplasia 7 with or without polydactyly. Last evaluated: 2021-08-30. Review status: criteria provided, single submitter. Criteria: Invitae Variant Classification Sherloc (09022015). Collection method: clinical testing. Allele origin: germline.
Comment: This sequence change replaces arginine with glutamine at codon 470 of the WDR35 protein (p.Arg470Gln). The arginine residue is moderately conserved and there is a small physicochemical difference between arginine and glutamine. This variant is present in population databases (rs146380332, ExAC 0.02%). This variant has not been reported in the literature in individuals affected with WDR35-related conditions. ClinVar contains an entry for this variant (Variation ID: 212588). Algorithms developed to predict the effect of missense changes on protein structure and function (SIFT, PolyPhen-2, Align-GVGD) all suggest that this variant is likely to be tolerated. In summary, the available evidence is currently insufficient to determine the role of this variant in disease. Therefore, it has been classified as a Variant of Uncertain Significance.

Illumina Laboratory Services, Illumina
Classification: Uncertain significance for Cranioectodermal dysplasia 2. Last evaluated: 2018-01-12. Review status: criteria provided, single submitter. Criteria: ICSL Variant Classification Criteria 13 December 2019. Collection method: clinical testing. Allele origin: germline.

Illumina Laboratory Services, Illumina
Classification: Uncertain significance for Short-rib thoracic dysplasia 7 with or without polydactyly. Last evaluated: 2018-01-12. Review status: criteria provided, single submitter. Criteria: ICSL Variant Classification Criteria 13 December 2019. Collection method: clinical testing. Allele origin: germline.

Genetic Services Laboratory, University of Chicago
Classification: Uncertain significance. Last evaluated: 2015-04-10. Review status: criteria provided, single submitter. Criteria: ACMG Guidelines, 2015. Collection method: clinical testing. Allele origin: germline.

NM_020779.4(WDR35):c.1376G>A (p.Arg459Gln)

Gene: WDR35 (WD repeat domain 35; minus strand). Cytogenetic location: 2p24.1.
Variant type: single nucleotide variant.
Coding change: c.1376G>A on transcript NM_020779.4 (MANE Select); coding-DNA position 1376, G replaced by A.
Protein change: p.Arg459Gln; replaces arginine 459 with glutamine.
Molecular consequence: missense variant.
Genome position (GRCh38, 1-based): chr2:19,953,858, C>T on the plus strand (G>A on the coding strand, the complement: WDR35 is on the minus strand). VCF-style: chr2-19953858-C-T. GRCh37 (hg19) VCF-style: chr2-20153619-C-T.
Other names: c.1409G>A, p.Arg470Gln (NM_001006657.2); short protein forms R470Q, R459Q.
Identifiers: ClinVar variation 212588 (VCV000212588.14), dbSNP rs146380332, ClinGen allele CA208942.
Genomic context (GRCh38, chr2:19,953,858, plus strand): 5'-GTTGAGCTACTAAAAAGTATGTATCAAAAGATATACCTTTCTCTCCCTTCTTTTCGAGAC[C>T]GTGTGATCTGATTAATTTCCAATGCTGTGAGCTTCTTTGCCACACGATATTGCCAGGTAT-3'
Protein context (NP_065830.2, residues 449-469): LTALEINQIT[Arg459Gln]SRKEGRERIY